The following is an entry in ClinVar:

NM_002485.5(NBN):c.1255A>G (p.Asn419Asp)

Gene: NBN (nibrin; minus strand). Cytogenetic location: 8q21.3.
Variant type: single nucleotide variant.
Coding change: c.1255A>G on transcript NM_002485.5 (MANE Select); coding-DNA position 1255, A replaced by G.
Protein change: p.Asn419Asp; replaces asparagine 419 with aspartic acid.
Molecular consequence: missense variant.
Genome position (GRCh38, 1-based): chr8:89,955,425, T>C on the plus strand (A>G on the coding strand, the complement: NBN is on the minus strand). VCF-style: chr8-89955425-T-C. GRCh37 (hg19) VCF-style: chr8-90967653-T-C.
Other names: p.N419D:AAT>GAT; c.1009A>G, p.Asn337Asp (NM_001024688.3); short protein forms N419D, N337D.
Identifiers: ClinVar variation 182719 (VCV000182719.16), dbSNP rs730881849, ClinGen allele CA299611.

ClinVar aggregate classification (germline): Conflicting classifications of pathogenicity. Review status: criteria provided, conflicting classifications (1 of 4 stars). 4 submissions from 4 submitters: Uncertain significance (3); Likely benign (1). Last evaluated 2024-03-27.

Conditions:
Hereditary cancer-predisposing syndrome. Also called: Tumor predisposition; Hereditary Cancer Syndrome; Hereditary neoplastic syndrome; Neoplastic Syndromes, Hereditary. Identifiers: Orphanet 140162, MedGen C0027672, MeSH D009386, MONDO:0015356.
Microcephaly, normal intelligence and immunodeficiency (NBS). Also called: IMMUNODEFICIENCY, MICROCEPHALY, AND CHROMOSOMAL INSTABILITY; SEEMANOVA SYNDROME II; Nijmegen breakage syndrome; Microcephaly with normal intelligence immunodeficiency and lymphoreticular malignancies; Nonsyndromal microcephaly autosomal recessive with normal intelligence; Seemanova syndrome 2. Identifiers: Orphanet 647, MedGen C0398791, MONDO:0009623, OMIM 251260.

gnomAD v4.1: 6 of 1,613,870 alleles (0.00037%); highest among the groups gnomAD compares: Non-Finnish European, 0.00051%; no homozygotes.

Submissions (4):

Ambry Genetics
Classification: Likely benign for Hereditary cancer-predisposing syndrome. Last evaluated: 2024-03-27. Review status: criteria provided, single submitter. Criteria: Ambry Variant Classification Scheme 2023. Collection method: clinical testing. Allele origin: germline.

Labcorp Genetics (formerly Invitae), Labcorp
Classification: Uncertain significance for Microcephaly, normal intelligence and immunodeficiency. Last evaluated: 2022-09-14. Review status: criteria provided, single submitter. Criteria: Invitae Variant Classification Sherloc (09022015). Collection method: clinical testing. Allele origin: germline.
Comment: This sequence change replaces asparagine, which is neutral and polar, with aspartic acid, which is acidic and polar, at codon 419 of the NBN protein (p.Asn419Asp). This variant is not present in population databases (gnomAD no frequency). This variant has not been reported in the literature in individuals affected with NBN-related conditions. ClinVar contains an entry for this variant (Variation ID: 182719). Algorithms developed to predict the effect of missense changes on protein structure and function output the following: SIFT: "Tolerated"; PolyPhen-2: "Benign"; Align-GVGD: "Class C0". The aspartic acid amino acid residue is found in multiple mammalian species, which suggests that this missense change does not adversely affect protein function. In summary, the available evidence is currently insufficient to determine the role of this variant in disease. Therefore, it has been classified as a Variant of Uncertain Significance.

Genome-Nilou Lab
Classification: Uncertain significance for Microcephaly, normal intelligence and immunodeficiency. Last evaluated: 2021-11-07. Review status: criteria provided, single submitter. Criteria: ACMG Guidelines, 2015. Collection method: clinical testing. Allele origin: germline. Affected: no.

GeneDx
Classification: Uncertain significance. Last evaluated: 2016-08-12. Review status: criteria provided, single submitter. Criteria: GeneDx Variant Classification (06012015). Collection method: clinical testing. Allele origin: germline. Affected: yes.
Comment: This variant is denoted NBN c.1255A>G at the cDNA level, p.Asn419Asp (N419D) at the protein level, and results in the change of an Asparagine to an Aspartic Acid (AAT>GAT). This variant has not, to our knowledge, been published in the literature as pathogenic or benign. NBN Asn419Asp was not observed in approximately 6,500 individuals of European and African American ancestry in the NHLBI Exome Sequencing Project, suggesting it is not a common benign variant in these populations. Since Asparagine and Aspartic Acid differ in some properties, this is considered a semi-conservative amino acid substitution. NBN Asn419Asp occurs at a position that is not conserved across species and is not located in a known functional domain (UniProt). In silico analyses predict that this variant is unlikely to alter protein structure or function. Based on currently available information, it is unclear whether NBN Asn419Asp is pathogenic or benign. We consider it to be a variant of uncertain significance.